The following is an entry in ClinVar:

NM_022095.4(ZNF335):c.1015C>T (p.Arg339Cys)

Gene: ZNF335 (zinc finger protein 335; minus strand). Cytogenetic location: 20q13.12.
Variant type: single nucleotide variant.
Coding change: c.1015C>T on transcript NM_022095.4 (MANE Select); coding-DNA position 1015, C replaced by T.
Protein change: p.Arg339Cys; replaces arginine 339 with cysteine.
Molecular consequence: missense variant.
Genome position (GRCh38, 1-based): chr20:45,965,715, G>A on the plus strand (C>T on the coding strand, the complement: ZNF335 is on the minus strand). VCF-style: chr20-45965715-G-A. GRCh37 (hg19) VCF-style: chr20-44594354-G-A.
Other names: c.1015C>T (NM_022095.3); short protein forms R339C.
Identifiers: ClinVar variation 2175916 (VCV002175916.6), dbSNP rs745618179, ClinGen allele CA9885871.

ClinVar aggregate classification (germline): Uncertain significance. Review status: criteria provided, multiple submitters, no conflicts (2 of 4 stars). 2 submissions from 2 submitters: Uncertain significance (2). Last evaluated 2025-02-24.

Conditions:
Inborn genetic diseases. Identifiers: MedGen C0950123, MeSH D030342.

Allele frequency attached by ClinVar (database versions not stated): TOPMed below 0.00001; gnomAD exomes 0.00001; gnomAD 0.00002; ExAC 0.00003.
gnomAD v4.1: 18 of 1,605,344 alleles (0.0011%); highest among the groups gnomAD compares: Middle Eastern, 0.017%; no homozygotes.

Submissions (2):

Labcorp Genetics (formerly Invitae), Labcorp
Classification: Uncertain significance. Last evaluated: 2025-02-24. Review status: criteria provided, single submitter. Criteria: Invitae Variant Classification Sherloc (09022015). Collection method: clinical testing. Allele origin: germline.
Comment: This sequence change replaces arginine, which is basic and polar, with cysteine, which is neutral and slightly polar, at codon 339 of the ZNF335 protein (p.Arg339Cys). The frequency data for this variant in the population databases is considered unreliable, as metrics indicate poor data quality at this position in the gnomAD database. This variant has not been reported in the literature in individuals affected with ZNF335-related conditions. ClinVar contains an entry for this variant (Variation ID: 2175916). Invitae Evidence Modeling of protein sequence and biophysical properties (such as structural, functional, and spatial information, amino acid conservation, physicochemical variation, residue mobility, and thermodynamic stability) indicates that this missense variant is not expected to disrupt ZNF335 protein function with a negative predictive value of 80%. In summary, the available evidence is currently insufficient to determine the role of this variant in disease. Therefore, it has been classified as a Variant of Uncertain Significance.

Ambry Genetics
Classification: Uncertain significance for Inborn genetic diseases. Last evaluated: 2023-03-02. Review status: criteria provided, single submitter. Criteria: Ambry Variant Classification Scheme 2023. Collection method: clinical testing. Allele origin: germline.